The following is an entry in ClinVar:

NM_000632.4(ITGAM):c.3313C>G (p.Pro1105Ala)

Gene: ITGAM (integrin subunit alpha M; plus strand). Cytogenetic location: 16p11.2.
Variant type: single nucleotide variant.
Coding change: c.3313C>G on transcript NM_000632.4 (MANE Select); coding-DNA position 3313, C replaced by G.
Protein change: p.Pro1105Ala; replaces proline 1105 with alanine.
Molecular consequence: missense variant.
Genome position (GRCh38, 1-based): chr16:31,331,201, C>G. VCF-style: chr16-31331201-C-G. GRCh37 (hg19) VCF-style: chr16-31342522-C-G.
Other names: c.3316C>G, p.Pro1106Ala (NM_001145808.2); short protein forms P1105A, P1106A.
Identifiers: ClinVar variation 2902490 (VCV002902490.3), dbSNP rs568433102, ClinGen allele CA8026160.

ClinVar aggregate classification (germline): Uncertain significance (1 of 4 stars; one submission).

Allele frequency attached by ClinVar (database versions not stated): 1000 Genomes Project 30x 0.00016; 1000 Genomes Project 0.00020.
gnomAD v4.1: 83 of 1,613,346 alleles (0.0051%); highest among the groups gnomAD compares: South Asian, 0.09%; no homozygotes.

Submission:

Labcorp Genetics (formerly Invitae), Labcorp
Classification: Uncertain significance. Last evaluated: 2024-08-02. Review status: criteria provided, single submitter. Criteria: Invitae Variant Classification Sherloc (09022015). Collection method: clinical testing. Allele origin: germline.
Comment: This sequence change replaces proline, which is neutral and non-polar, with alanine, which is neutral and non-polar, at codon 1105 of the ITGAM protein (p.Pro1105Ala). This variant is present in population databases (rs568433102, gnomAD 0.09%), and has an allele count higher than expected for a pathogenic variant. This variant has not been reported in the literature in individuals affected with ITGAM-related conditions. An algorithm developed to predict the effect of missense changes on protein structure and function (PolyPhen-2) suggests that this variant is likely to be disruptive. In summary, the available evidence is currently insufficient to determine the role of this variant in disease. Therefore, it has been classified as a Variant of Uncertain Significance.